The following is an entry in ClinVar:

NM_000834.5(GRIN2B):c.3561C>G (p.His1187Gln)

Gene: GRIN2B (glutamate ionotropic receptor NMDA type subunit 2B; minus strand). Cytogenetic location: 12p13.1.
Variant type: single nucleotide variant.
Coding change: c.3561C>G on transcript NM_000834.5 (MANE Select); coding-DNA position 3561, C replaced by G.
Protein change: p.His1187Gln; replaces histidine 1187 with glutamine.
Molecular consequence: missense variant.
Genome position (GRCh38, 1-based): chr12:13,563,677, G>C on the plus strand (C>G on the coding strand, the complement: GRIN2B is on the minus strand). VCF-style: chr12-13563677-G-C. GRCh37 (hg19) VCF-style: chr12-13716611-G-C.
Other names: c.3561C>G, p.His1187Gln (NM_001413992.1); short protein forms H1187Q.
Identifiers: ClinVar variation 4057063 (VCV004057063.1).

ClinVar aggregate classification (germline): Uncertain significance (1 of 4 stars; one submission).

gnomAD v4.1: 1 of 1,613,542 alleles (0.000062%); highest among the groups gnomAD compares: Admixed American, 0.0017%; no homozygotes.

Submission:

GeneDx
Classification: Uncertain significance. Last evaluated: 2025-01-12. Review status: criteria provided, single submitter. Criteria: GeneDx Variant Classification Process June 2021. Collection method: clinical testing. Allele origin: germline. Affected: yes.
Comment: Not observed at significant frequency in large population cohorts (gnomAD); In silico analysis supports that this missense variant has a deleterious effect on protein structure/function; Has not been previously published as pathogenic or benign to our knowledge